The following is an entry in ClinVar:

NM_001323289.2(CDKL5):c.135G>T (p.Lys45Asn)

Gene: CDKL5 (cyclin dependent kinase like 5; plus strand). Cytogenetic location: Xp22.13.
Variant type: single nucleotide variant.
Coding change: c.135G>T on transcript NM_001323289.2 (MANE Select); coding-DNA position 135, G replaced by T.
Protein change: p.Lys45Asn; replaces lysine 45 with asparagine.
Molecular consequence: missense variant.
Genome position (GRCh38, 1-based): chrX:18,564,512, G>T. VCF-style: chrX-18564512-G-T. GRCh37 (hg19) VCF-style: chrX-18582632-G-T.
Other names: c.135G>T, p.Lys45Asn (NM_001037343.2, NM_003159.3); short protein forms K45N.
Identifiers: ClinVar variation 1000784 (VCV001000784.9), dbSNP rs1602263431, ClinGen allele CA412346736.

ClinVar aggregate classification (germline): Uncertain significance (1 of 4 stars; one submission).

Conditions:
Angelman syndrome-like. Identifiers: MedGen CN128785.
Developmental and epileptic encephalopathy, 2 (DEE2). Also called: INFANTILE SPASM SYNDROME, X-LINKED 2; CDKL5 deficiency disorder. Identifiers: Orphanet 1934, Orphanet 3451, Orphanet 505652, MedGen C4750718, MONDO:0010396, OMIM 300672.

Submission:

Labcorp Genetics (formerly Invitae), Labcorp
Classification: Uncertain significance for Developmental and epileptic encephalopathy, 2; Angelman syndrome-like. Last evaluated: 2020-10-14. Review status: criteria provided, single submitter. Criteria: Invitae Variant Classification Sherloc (09022015). Collection method: clinical testing. Allele origin: germline.
Comment: This sequence change replaces lysine with asparagine at codon 45 of the CDKL5 protein (p.Lys45Asn). The lysine residue is moderately conserved and there is a moderate physicochemical difference between lysine and asparagine. This variant is not present in population databases (ExAC no frequency). This variant has not been reported in the literature in individuals with CDKL5-related conditions. Algorithms developed to predict the effect of missense changes on protein structure and function are either unavailable or do not agree on the potential impact of this missense change (SIFT: "Deleterious"; PolyPhen-2: "Possibly Damaging"; Align-GVGD: "Class C0"). In summary, the available evidence is currently insufficient to determine the role of this variant in disease. Therefore, it has been classified as a Variant of Uncertain Significance.